The following is an entry in ClinVar:

ClinVar aggregate classification (germline): Uncertain significance (1 of 4 stars; one submission).

Submission:

Labcorp Genetics (formerly Invitae), Labcorp
Classification: Uncertain significance. Last evaluated: 2022-04-15. Review status: criteria provided, single submitter. Criteria: Invitae Variant Classification Sherloc (09022015). Collection method: clinical testing. Allele origin: germline.
Comment: This variant has not been reported in the literature in individuals affected with FBXO11-related conditions. This variant is not present in population databases (gnomAD no frequency). This sequence change replaces arginine, which is basic and polar, with glutamine, which is neutral and polar, at codon 448 of the FBXO11 protein (p.Arg448Gln). Algorithms developed to predict the effect of missense changes on protein structure and function are either unavailable or do not agree on the potential impact of this missense change (SIFT: "Deleterious"; PolyPhen-2: "Probably Damaging"; Align-GVGD: "Class C0"). In summary, the available evidence is currently insufficient to determine the role of this variant in disease. Therefore, it has been classified as a Variant of Uncertain Significance.

NM_001190274.2(FBXO11):c.1343G>A (p.Arg448Gln)

Gene: FBXO11 (F-box protein 11; minus strand). Cytogenetic location: 2p16.3.
Variant type: single nucleotide variant.
Coding change: c.1343G>A on transcript NM_001190274.2 (MANE Select); coding-DNA position 1343, G replaced by A.
Protein change: p.Arg448Gln; replaces arginine 448 with glutamine.
Molecular consequence: missense variant.
Genome position (GRCh38, 1-based): chr2:47,832,404, C>T on the plus strand (G>A on the coding strand, the complement: FBXO11 is on the minus strand). VCF-style: chr2-47832404-C-T. GRCh37 (hg19) VCF-style: chr2-48059543-C-T.
Other names: c.1091G>A, p.Arg364Gln (NM_001374325.1, NM_025133.4); short protein forms R448Q, R364Q.
Identifiers: ClinVar variation 2126486 (VCV002126486.4), dbSNP rs2531188790, ClinGen allele CA346765289.